The following is an entry in ClinVar:

NM_004655.4(AXIN2):c.2212T>C (p.Ser738Pro)

Gene: AXIN2 (axin 2; minus strand). Cytogenetic location: 17q24.1.
Variant type: single nucleotide variant.
Coding change: c.2212T>C on transcript NM_004655.4 (MANE Select); coding-DNA position 2212, T replaced by C.
Protein change: p.Ser738Pro; replaces serine 738 with proline.
Molecular consequence: missense variant.
Genome position (GRCh38, 1-based): chr17:65,535,651, A>G on the plus strand (T>C on the coding strand, the complement: AXIN2 is on the minus strand). VCF-style: chr17-65535651-A-G. GRCh37 (hg19) VCF-style: chr17-63531769-A-G.
Other names: c.2017T>C, p.Ser673Pro (NM_001363813.1); short protein forms S673P, S738P.
Identifiers: ClinVar variation 2832854 (VCV002832854.3), dbSNP rs2509396784, ClinGen allele CA400675743.
Genomic context (GRCh38, chr17:65,535,651, plus strand): 5'-GGCAGATCTCAGTAATGTCAGGTAAAGACACTCACTCTTCTGGAGCCAGGCTTGGATTGG[A>G]GAAGGGTGTGGCTCCCGTCTGAACAGTGGCCGAATGATTCCTGTCCCTCTGCTGACTGGC-3'
Protein context (NP_004646.3, residues 728-748): ATVQTGATPF[Ser738Pro]NPSLAPEDHK

ClinVar aggregate classification (germline): Uncertain significance (1 of 4 stars; one submission).

Conditions:
Oligodontia-cancer predisposition syndrome. Also called: TOOTH AGENESIS-COLORECTAL CANCER SYNDROME. Identifiers: Orphanet 300576, MedGen C1837750, MONDO:0012075, OMIM 608615. Disease mechanism: loss of function.

Submission:

Labcorp Genetics (formerly Invitae), Labcorp
Classification: Uncertain significance for Oligodontia-cancer predisposition syndrome. Last evaluated: 2023-01-30. Review status: criteria provided, single submitter. Criteria: Invitae Variant Classification Sherloc (09022015). Collection method: clinical testing. Allele origin: germline.
Comment: In summary, the available evidence is currently insufficient to determine the role of this variant in disease. Therefore, it has been classified as a Variant of Uncertain Significance. Algorithms developed to predict the effect of missense changes on protein structure and function (SIFT, PolyPhen-2, Align-GVGD) all suggest that this variant is likely to be tolerated. This variant has not been reported in the literature in individuals affected with AXIN2-related conditions. This variant is not present in population databases (gnomAD no frequency). This sequence change replaces serine, which is neutral and polar, with proline, which is neutral and non-polar, at codon 738 of the AXIN2 protein (p.Ser738Pro).